The following is an entry in ClinVar:

ClinVar aggregate classification (germline): Uncertain significance (1 of 4 stars; one submission).

Conditions:
Developmental and epileptic encephalopathy, 8 (DEE8). Also called: HYPEREKPLEXIA AND EPILEPSY. Identifiers: Orphanet 163985, Orphanet 2076, MedGen C1845102, MONDO:0010375, OMIM 300607.

Submission:

Labcorp Genetics (formerly Invitae), Labcorp
Classification: Uncertain significance for Developmental and epileptic encephalopathy, 8. Last evaluated: 2025-03-16. Review status: criteria provided, single submitter. Criteria: Invitae Variant Classification Sherloc (09022015). Collection method: clinical testing. Allele origin: germline.
Comment: This sequence change replaces tyrosine, which is neutral and polar, with cysteine, which is neutral and slightly polar, at codon 480 of the ARHGEF9 protein (p.Tyr480Cys). This variant is not present in population databases (gnomAD no frequency). This variant has not been reported in the literature in individuals affected with ARHGEF9-related conditions. Invitae Evidence Modeling of protein sequence and biophysical properties (such as structural, functional, and spatial information, amino acid conservation, physicochemical variation, residue mobility, and thermodynamic stability) indicates that this missense variant is not expected to disrupt ARHGEF9 protein function with a negative predictive value of 95%. In summary, the available evidence is currently insufficient to determine the role of this variant in disease. Therefore, it has been classified as a Variant of Uncertain Significance.

NM_001353921.2(ARHGEF9):c.1460A>G (p.Tyr487Cys)

Gene: ARHGEF9 (Cdc42 guanine nucleotide exchange factor 9; minus strand). Cytogenetic location: Xq11.1.
Variant type: single nucleotide variant.
Coding change: c.1460A>G on transcript NM_001353921.2 (MANE Select); coding-DNA position 1460, A replaced by G.
Protein change: p.Tyr487Cys; replaces tyrosine 487 with cysteine.
Molecular consequence: missense variant. On other transcripts: 3 prime UTR variant (2).
Genome position (GRCh38, 1-based): chrX:63,638,140, T>C on the plus strand (A>G on the coding strand, the complement: ARHGEF9 is on the minus strand). VCF-style: chrX-63638140-T-C. GRCh37 (hg19) VCF-style: chrX-62858020-T-C.
Other names: c.1280A>G, p.Tyr427Cys (NM_001173479.2); c.1133A>G, p.Tyr378Cys (NM_001173480.2, NM_001369042.1); c.1376A>G, p.Tyr459Cys (NM_001330495.2, NM_001369033.1, NM_001369034.1 and 4 more transcripts); c.1328A>G, p.Tyr443Cys (NM_001353922.2); c.1478A>G, p.Tyr493Cys (NM_001353923.1); c.1259A>G, p.Tyr420Cys (NM_001353924.2, NM_001353926.2, NM_001369039.1 and 1 more transcripts); c.1244A>G, p.Tyr415Cys (NM_001353927.2, NM_001369041.1); c.1307A>G, p.Tyr436Cys (NM_001353928.2); and 3 more; short protein forms Y415C, Y436C, Y487C, Y378C, Y420C, Y443C, Y493C, Y298C.
Identifiers: ClinVar variation 4709759 (VCV004709759.1).